The following is an entry in ClinVar:

NM_001256864.2(DNAJC6):c.1819C>A (p.Pro607Thr)

Gene: DNAJC6 (DnaJ heat shock protein family (Hsp40) member C6; plus strand). Cytogenetic location: 1p31.3.
Variant type: single nucleotide variant.
Coding change: c.1819C>A on transcript NM_001256864.2 (MANE Select); coding-DNA position 1819, C replaced by A.
Protein change: p.Pro607Thr; replaces proline 607 with threonine.
Molecular consequence: missense variant.
Genome position (GRCh38, 1-based): chr1:65,392,781, C>A. VCF-style: chr1-65392781-C-A. GRCh37 (hg19) VCF-style: chr1-65858464-C-A.
Other names: c.1609C>A, p.Pro537Thr (NM_001256865.2); c.1648C>A, p.Pro550Thr (NM_014787.4); short protein forms P550T, P537T, P607T.
Identifiers: ClinVar variation 1904424 (VCV001904424.5), dbSNP rs1645941338, ClinGen allele CA340689580.

ClinVar aggregate classification (germline): Uncertain significance (1 of 4 stars; one submission).

Conditions:
Juvenile onset Parkinson disease 19A. Also called: PARK19; DNAJC6 Parkinson Disease. Identifiers: Orphanet 391411, MedGen C3809811, MONDO:0014231, OMIM 615528.

Submission:

Labcorp Genetics (formerly Invitae), Labcorp
Classification: Uncertain significance for Juvenile onset Parkinson disease 19A. Last evaluated: 2022-07-11. Review status: criteria provided, single submitter. Criteria: Invitae Variant Classification Sherloc (09022015). Collection method: clinical testing. Allele origin: germline.
Comment: In summary, the available evidence is currently insufficient to determine the role of this variant in disease. Therefore, it has been classified as a Variant of Uncertain Significance. Algorithms developed to predict the effect of missense changes on protein structure and function (SIFT, PolyPhen-2, Align-GVGD) all suggest that this variant is likely to be tolerated. This variant has not been reported in the literature in individuals affected with DNAJC6-related conditions. This variant is not present in population databases (gnomAD no frequency). This sequence change replaces proline, which is neutral and non-polar, with threonine, which is neutral and polar, at codon 607 of the DNAJC6 protein (p.Pro607Thr).